The following is an entry in ClinVar:

ClinVar aggregate classification (germline): Uncertain significance. Review status: criteria provided, multiple submitters, no conflicts (2 of 4 stars). 2 submissions from 2 submitters: Uncertain significance (2). Last evaluated 2025-08-07.

Allele frequency attached by ClinVar (database versions not stated): TOPMed 0.00004; gnomAD 0.00007; 1000 Genomes Project 30x 0.00125; 1000 Genomes Project 0.00140.
gnomAD v4.1: 58 of 1,606,706 alleles (0.0036%); highest among the groups gnomAD compares: African/African-American, 0.06%; 2 homozygotes.

Submissions (2):

Ambry Genetics
Classification: Uncertain significance. Last evaluated: 2025-08-07. Review status: criteria provided, single submitter. Criteria: Ambry Variant Classification Scheme 2023. Collection method: clinical testing. Allele origin: germline.

Labcorp Genetics (formerly Invitae), Labcorp
Classification: Uncertain significance. Last evaluated: 2024-10-15. Review status: criteria provided, single submitter. Criteria: Invitae Variant Classification Sherloc (09022015). Collection method: clinical testing. Allele origin: germline.
Comment: This sequence change replaces methionine, which is neutral and non-polar, with threonine, which is neutral and polar, at codon 360 of the ATRN protein (p.Met360Thr). This variant is present in population databases (rs147729396, gnomAD 0.03%). This variant has not been reported in the literature in individuals affected with ATRN-related conditions. ClinVar contains an entry for this variant (Variation ID: 2152121). An algorithm developed to predict the effect of missense changes on protein structure and function (PolyPhen-2) suggests that this variant is likely to be tolerated. In summary, the available evidence is currently insufficient to determine the role of this variant in disease. Therefore, it has been classified as a Variant of Uncertain Significance.

NM_139321.3(ATRN):c.1079T>C (p.Met360Thr)

Gene: ATRN (attractin; plus strand). Cytogenetic location: 20p13.
Variant type: single nucleotide variant.
Coding change: c.1079T>C on transcript NM_139321.3 (MANE Select); coding-DNA position 1079, T replaced by C.
Protein change: p.Met360Thr; replaces methionine 360 with threonine.
Molecular consequence: missense variant.
Genome position (GRCh38, 1-based): chr20:3,549,305, T>C. VCF-style: chr20-3549305-T-C. GRCh37 (hg19) VCF-style: chr20-3529952-T-C.
Other names: c.731T>C, p.Met244Thr (NM_001207047.3); c.1079T>C, p.Met360Thr (NM_001323332.2, NM_139322.4); c.1079T>C (NM_139321.2); short protein forms M360T, M244T.
Identifiers: ClinVar variation 2152121 (VCV002152121.5), dbSNP rs147729396, ClinGen allele CA9743965.